The following is an entry in ClinVar:

NM_000441.2(SLC26A4):c.1544+1G>A

Gene: SLC26A4 (solute carrier family 26 member 4; plus strand). Cytogenetic location: 7q22.3.
Variant type: single nucleotide variant.
Coding change: c.1544+1G>A on transcript NM_000441.2 (MANE Select); the canonical splice donor site of the intron after coding-DNA position 1544, G replaced by A.
Molecular consequence: splice donor variant.
Genome position (GRCh38, 1-based): chr7:107,696,040, G>A. VCF-style: chr7-107696040-G-A. GRCh37 (hg19) VCF-style: chr7-107336485-G-A.
Identifiers: ClinVar variation 228395 (VCV000228395.8), dbSNP rs876657722, ClinGen allele CA10576713.
Genomic context (GRCh38, chr7:107,696,040, plus strand): 5'-TCTCGGTTTACTAGCTGGCCTTATATTTGGACTGTTGACTGTGGTCCTGAGAGTTCAGTT[G>A]TGAGTAACGTAAAACCCAGATTTCCTATAAACAGAACAACACACTCTGAGCTTCCTTATA-3'

ClinVar aggregate classification (germline): Pathogenic/Likely pathogenic. Review status: criteria provided, multiple submitters, no conflicts (2 of 4 stars). 3 submissions from 3 submitters: Pathogenic (1); Likely pathogenic (1). 1 of the submissions does not count toward it. Last evaluated 2021-09-05.

Conditions:
Rare genetic deafness. Identifiers: Orphanet 96210, MedGen C5680250.
Pendred syndrome (PDS). Also called: THYROID DYSHORMONOGENESIS 2B; THYROID HORMONOGENESIS, GENETIC DEFECT IN, 2B; Pendred's syndrome; DEAFNESS WITH GOITER; GOITER-DEAFNESS SYNDROME; HYPOTHYROIDISM, CONGENITAL, DUE TO DYSHORMONOGENESIS, 2B. Identifiers: Orphanet 705, MedGen C0271829, MONDO:0010134, OMIM 274600.

Allele frequency attached by ClinVar (database versions not stated): gnomAD exomes below 0.00001.
gnomAD v4.1: 2 of 1,535,878 alleles (0.00013%); highest among the groups gnomAD compares: Non-Finnish European, 0.00018%; no homozygotes.

Submissions (3):

Genome-Nilou Lab
Classification: Likely pathogenic for Pendred syndrome. Last evaluated: 2021-09-05. Review status: criteria provided, single submitter. Criteria: ACMG Guidelines, 2015. Collection method: clinical testing. Allele origin: germline. Affected: no.

Laboratory for Molecular Medicine, Mass General Brigham Personalized Medicine
Classification: Pathogenic for Rare genetic deafness. Last evaluated: 2018-01-16. Review status: criteria provided, single submitter. Criteria: LMM Criteria. Collection method: clinical testing. Allele origin: germline. Inheritance: Autosomal recessive inheritance. Observed: 4 variant alleles.
Comment: This variant h as been reported in ClinVar (Variation ID: 228395). This variant occurs in the i nvariant region (+/- 1/2) of the splice consensus sequence and is predicted to c ause altered splicing leading to an abnormal or absent protein. Loss of function of the SLC26A4 gene is an established disease mechanism in autosomal recessive hearing loss. In summary, the c.1544+1G>A variant meets criteria to be classifie d as pathogenic for hearing loss in an autosomal recessive manner. ACMG/AMP Crit eria applied: PVS1, PM2, PM4.

Counsyl
Classification: Likely pathogenic for Pendred syndrome. Last evaluated: 2016-01-11. Review status: no assertion criteria provided. Collection method: clinical testing. Allele origin: unknown. Not counted in ClinVar's aggregate classification.